The following is an entry in ClinVar:

NM_017886.4(ULK4):c.424T>C (p.Leu142=)

Gene: ULK4 (unc-51 like kinase 4; minus strand). Cytogenetic location: 3p22.1.
Variant type: single nucleotide variant.
Coding change: c.424T>C on transcript NM_017886.4 (MANE Select); coding-DNA position 424, T replaced by C.
Protein change: p.Leu142=; no amino-acid change (leucine 142 retained).
Molecular consequence: synonymous variant. On other transcripts: 5 prime UTR variant (1), non-coding transcript variant (1).
Genome position (GRCh38, 1-based): chr3:41,931,961, A>G on the plus strand (T>C on the coding strand, the complement: ULK4 is on the minus strand). VCF-style: chr3-41931961-A-G. GRCh37 (hg19) VCF-style: chr3-41973453-A-G.
Other names: c.424T>C, p.Leu142= (NM_001322500.2); c.-407T>C (NM_001322501.2).
Identifiers: ClinVar variation 3388832 (VCV003388832.14).

ClinVar aggregate classification (germline): Likely benign (1 of 4 stars; one submission).

Submission:

CeGaT Center for Human Genetics Tuebingen
Classification: Likely benign. Last evaluated: 2024-10-01. Review status: criteria provided, single submitter. Criteria: CeGaT Center For Human Genetics Tuebingen Variant Classification Criteria Version 2. Collection method: clinical testing. Allele origin: germline. Affected: yes. Observed: 1 variant allele.
Comment: ULK4: PM2:Supporting, BP4, BP7